The following is an entry in ClinVar:

ClinVar aggregate classification (germline): Conflicting classifications of pathogenicity. Review status: criteria provided, conflicting classifications (1 of 4 stars). 2 submissions from 2 submitters: Uncertain significance (1); Benign (1). Last evaluated 2023-06-30.

Conditions:
Tip-toe gait. Also called: Toe walking. Identifiers: MedGen C0427144, HP:0030051.

Allele frequency attached by ClinVar (database versions not stated): gnomAD exomes 0.00002; gnomAD 0.00003; TOPMed 0.00003.
gnomAD v4.1: 34 of 1,612,454 alleles (0.0021%); highest among the groups gnomAD compares: Non-Finnish European, 0.0027%; no homozygotes.

Submissions (2):

Labcorp Genetics (formerly Invitae), Labcorp
Classification: Uncertain significance. Last evaluated: 2023-06-30. Review status: criteria provided, single submitter. Criteria: Invitae Variant Classification Sherloc (09022015). Collection method: clinical testing. Allele origin: germline.
Comment: In summary, the available evidence is currently insufficient to determine the role of this variant in disease. Therefore, it has been classified as a Variant of Uncertain Significance. Advanced modeling of protein sequence and biophysical properties (such as structural, functional, and spatial information, amino acid conservation, physicochemical variation, residue mobility, and thermodynamic stability) performed at Invitae indicates that this missense variant is not expected to disrupt SBF1 protein function. ClinVar contains an entry for this variant (Variation ID: 1979163). This variant has not been reported in the literature in individuals affected with SBF1-related conditions. This variant is present in population databases (no rsID available, gnomAD 0.003%). This sequence change replaces valine, which is neutral and non-polar, with alanine, which is neutral and non-polar, at codon 675 of the SBF1 protein (p.Val675Ala).

Practice for Gait Abnormalities, David Pomarino, Competency Network Toe Walking C/o Practice Pomarino
Classification: Benign for Tip-toe gait. Last evaluated: 2022-03-07. Review status: criteria provided, single submitter. Criteria: Pomarino et al. (Glob Med Genet. 2026). Collection method: clinical testing. Allele origin: germline. Affected: yes.

NM_002972.4(SBF1):c.2024T>C (p.Val675Ala)

Gene: SBF1 (SET binding factor 1; minus strand). Cytogenetic location: 22q13.33.
Variant type: single nucleotide variant.
Coding change: c.2024T>C on transcript NM_002972.4 (MANE Select); coding-DNA position 2024, T replaced by C.
Protein change: p.Val675Ala; replaces valine 675 with alanine.
Molecular consequence: missense variant.
Genome position (GRCh38, 1-based): chr22:50,462,662, A>G on the plus strand (T>C on the coding strand, the complement: SBF1 is on the minus strand). VCF-style: chr22-50462662-A-G. GRCh37 (hg19) VCF-style: chr22-50901091-A-G.
Other names: c.2027T>C, p.Val676Ala (NM_001365819.1, NM_001410794.1); c.2024T>C, p.Val675Ala (NM_001410795.1, NM_197971.1); c.2024T>C (NM_002972.3); short protein forms V675A, V676A.
Identifiers: ClinVar variation 1979163 (VCV001979163.3), dbSNP rs996404045, ClinGen allele CA325532717.